The following is an entry in ClinVar:

NM_020320.5(RARS2):c.1313A>G (p.Lys438Arg)

Gene: RARS2 (arginyl-tRNA synthetase 2, mitochondrial; minus strand). Cytogenetic location: 6q15.
Variant type: single nucleotide variant.
Coding change: c.1313A>G on transcript NM_020320.5 (MANE Select); coding-DNA position 1313, A replaced by G.
Protein change: p.Lys438Arg; replaces lysine 438 with arginine.
Molecular consequence: missense variant. On other transcripts: non-coding transcript variant (23).
Genome position (GRCh38, 1-based): chr6:87,518,732, T>C on the plus strand (A>G on the coding strand, the complement: RARS2 is on the minus strand). VCF-style: chr6-87518732-T-C. GRCh37 (hg19) VCF-style: chr6-88228450-T-C.
Other names: c.788A>G, p.Lys263Arg (NM_001318785.2, NM_001350506.2, NM_001350507.2 and 4 more transcripts); c.1313A>G, p.Lys438Arg (NM_001350505.2); short protein forms K263R, K438R.
Identifiers: ClinVar variation 1482122 (VCV001482122.3), dbSNP rs763667779, ClinGen allele CA364922797.
Genomic context (GRCh38, chr6:87,518,732, plus strand): 5'-TCCCCGCGACTCTGGAAAACACGATCCCAGCTGAACTTGTAGTCAGATAAGAGTAAACCT[T>C]TGAAGTCCTAAAACGACAGAGGAAATCTTCACTGCTGGGATTTGCTCTAGTACCAAACAA-3'
Protein context (NP_064716.2, residues 428-448): GLAALIIQDF[Lys438Arg]GLLLSDYKFS

ClinVar aggregate classification (germline): Uncertain significance (1 of 4 stars; one submission).

Submission:

Labcorp Genetics (formerly Invitae), Labcorp
Classification: Uncertain significance. Last evaluated: 2022-08-23. Review status: criteria provided, single submitter. Criteria: Invitae Variant Classification Sherloc (09022015). Collection method: clinical testing. Allele origin: germline.
Comment: This sequence change replaces lysine, which is basic and polar, with arginine, which is basic and polar, at codon 438 of the RARS2 protein (p.Lys438Arg). This variant is not present in population databases (gnomAD no frequency). This variant has not been reported in the literature in individuals affected with RARS2-related conditions. ClinVar contains an entry for this variant (Variation ID: 1482122). Advanced modeling of protein sequence and biophysical properties (such as structural, functional, and spatial information, amino acid conservation, physicochemical variation, residue mobility, and thermodynamic stability) performed at Invitae indicates that this missense variant is not expected to disrupt RARS2 protein function. In summary, the available evidence is currently insufficient to determine the role of this variant in disease. Therefore, it has been classified as a Variant of Uncertain Significance.